The following is an entry in ClinVar:

NM_003024.3(ITSN1):c.4078T>C (p.Leu1360=)

Gene: ITSN1 (intersectin 1; plus strand). Cytogenetic location: 21q22.11.
Variant type: single nucleotide variant.
Coding change: c.4078T>C on transcript NM_003024.3 (MANE Select); coding-DNA position 4078, T replaced by C.
Protein change: p.Leu1360=; no amino-acid change (leucine 1360 retained).
Molecular consequence: synonymous variant.
Genome position (GRCh38, 1-based): chr21:33,867,236, T>C. VCF-style: chr21-33867236-T-C. GRCh37 (hg19) VCF-style: chr21-35239540-T-C.
Other names: c.4063T>C, p.Leu1355= (NM_001331010.2).
Identifiers: ClinVar variation 3035571 (VCV003035571.2), dbSNP rs148277582, ClinGen allele CA10012342.
Genomic context (GRCh38, chr21:33,867,236, plus strand): 5'-TCACTAACTTTGGATTTTGCAAGTTTCTTAAGTACATTTAAAAACATCTCATTTCAGAGA[T>C]TGGCAATGGATCCTCGGTGTAAAGGGATGCCACTCTCTAGTTTTATACTGAAGCCTATGC-3'
Protein context (NP_003015.2, residues 1350-1370): APDFKEFVKR[Leu1360=]AMDPRCKGMP

ClinVar aggregate classification (germline): Likely benign (0 of 4 stars; one submission).

Conditions:
ITSN1-related disorder. Also called: ITSN1-related condition.

Allele frequency attached by ClinVar (database versions not stated): gnomAD exomes 0.00010; ExAC 0.00029; 1000 Genomes Project 0.00060; 1000 Genomes Project 30x 0.00062; ESP Exome Variant Server 0.00085; gnomAD 0.00086; TOPMed 0.00108.
gnomAD v4.1: 276 of 1,597,634 alleles (0.017%); highest among the groups gnomAD compares: African/African-American, 0.33%; 1 homozygote.

Submission:

PreventionGenetics, part of Exact Sciences
Classification: Likely benign for ITSN1-related condition. Last evaluated: 2019-12-05. Review status: no assertion criteria provided. Collection method: clinical testing. Allele origin: germline.
Comment: This variant is classified as likely benign based on ACMG/AMP sequence variant interpretation guidelines (Richards et al. 2015 PMID: 25741868, with internal and published modifications).